The following is an entry in ClinVar:

ClinVar aggregate classification (germline): Uncertain significance (1 of 4 stars; one submission).

gnomAD v4.1: 4 of 1,613,796 alleles (0.00025%); highest among the groups gnomAD compares: South Asian, 0.0011%; no homozygotes.

Submission:

Labcorp Genetics (formerly Invitae), Labcorp
Classification: Uncertain significance. Last evaluated: 2024-11-22. Review status: criteria provided, single submitter. Criteria: Invitae Variant Classification Sherloc (09022015). Collection method: clinical testing. Allele origin: germline.
Comment: This sequence change replaces lysine, which is basic and polar, with threonine, which is neutral and polar, at codon 657 of the ABCA3 protein (p.Lys657Thr). This variant is not present in population databases (gnomAD no frequency). This variant has not been reported in the literature in individuals affected with ABCA3-related conditions. Invitae Evidence Modeling of protein sequence and biophysical properties (such as structural, functional, and spatial information, amino acid conservation, physicochemical variation, residue mobility, and thermodynamic stability) indicates that this missense variant is expected to disrupt ABCA3 protein function with a positive predictive value of 80%. In summary, the available evidence is currently insufficient to determine the role of this variant in disease. Therefore, it has been classified as a Variant of Uncertain Significance.

NM_001089.3(ABCA3):c.1970A>C (p.Lys657Thr)

Gene: ABCA3 (ATP binding cassette subfamily A member 3; minus strand). Cytogenetic location: 16p13.3.
Variant type: single nucleotide variant.
Coding change: c.1970A>C on transcript NM_001089.3 (MANE Select); coding-DNA position 1970, A replaced by C.
Protein change: p.Lys657Thr; replaces lysine 657 with threonine.
Molecular consequence: missense variant.
Genome position (GRCh38, 1-based): chr16:2,297,848, T>G on the plus strand (A>C on the coding strand, the complement: ABCA3 is on the minus strand). VCF-style: chr16-2297848-T-G. GRCh37 (hg19) VCF-style: chr16-2347849-T-G.
Other names: short protein forms K657T.
Identifiers: ClinVar variation 3613251 (VCV003613251.2).
Genomic context (GRCh38, chr16:2,297,848, plus strand): 5'-ATGCCGATGGAGAGCTTGCGCCTCATGCCCCCGCTCAGGAAGCGGCTCCGTGAGTTCCAC[T>G]TGTCCTCCAGGCCGATGATGTGCAGCATCTGCTTGACTTCTTCAGGGCACTTCTGACGTG-3'
Protein context (NP_001080.2, residues 647-667): QMLHIIGLED[Lys657Thr]WNSRSRFLSG